The following is an entry in ClinVar:

NM_000416.3(IFNGR1):c.*206A>G

Gene: IFNGR1 (interferon gamma receptor 1; minus strand). Cytogenetic location: 6q23.3.
Variant type: single nucleotide variant.
Coding change: c.*206A>G on transcript NM_000416.3 (MANE Select); 206 bases downstream of the stop codon, A replaced by G.
Molecular consequence: 3 prime UTR variant.
Genome position (GRCh38, 1-based): chr6:137,197,825, T>C on the plus strand (A>G on the coding strand, the complement: IFNGR1 is on the minus strand). VCF-style: chr6-137197825-T-C. GRCh37 (hg19) VCF-style: chr6-137518962-T-C.
Other names: c.*206A>G (NM_001363526.1, NM_001363527.1).
Identifiers: ClinVar variation 355549 (VCV000355549.5), dbSNP rs1887416, ClinGen allele CA10623057.

ClinVar aggregate classification (germline): Benign (1 of 4 stars; one submission).

Conditions:
Immunodeficiency 27A (IMD27A). Also called: IMMUNODEFICIENCY 27A, MYCOBACTERIOSIS, AUTOSOMAL RECESSIVE; IFNGR1 DEFICIENCY, AUTOSOMAL RECESSIVE. Identifiers: Orphanet 319569, Orphanet 99898, MedGen C4011949, MONDO:0008856, OMIM 209950.

Allele frequency attached by ClinVar (database versions not stated): gnomAD 0.00801 and 0.01728; TOPMed 0.01217; 1000 Genomes Project 30x 0.07558; 1000 Genomes Project 0.07808.
gnomAD v4.1: 16,521 of 566,144 alleles (2.9%); highest among the groups gnomAD compares: South Asian, 25%; 1,865 homozygotes.

Submission:

Illumina Laboratory Services, Illumina
Classification: Benign for Immunodeficiency 27A. Last evaluated: 2018-01-12. Review status: criteria provided, single submitter. Criteria: ICSL Variant Classification Criteria 13 December 2019. Collection method: clinical testing. Allele origin: germline.
Comment: This variant was observed in the ICSL laboratory as part of a predisposition screen in an ostensibly healthy population. It had not been previously curated by ICSL or reported in the Human Gene Mutation Database (HGMD: prior to June 1st, 2018), and was therefore a candidate for classification through an automated scoring system. Utilizing variant allele frequency, disease prevalence and penetrance estimates, and inheritance mode, an automated score was calculated to assess if this variant is too frequent to cause the disease. Based on the score and internal cut-off values, a variant classified as benign is not then subjected to further curation. The score for this variant resulted in a classification of benign for this disease.